The following is an entry in ClinVar:

NC_012920.1(MT-CO1):m.7440T>G

Gene: MT-CO1 (mitochondrially encoded cytochrome c oxidase I; plus strand).
Variant type: single nucleotide variant.
Genome position: chrM-7440-T-G.
Identifiers: ClinVar variation 692747 (VCV000692747.1), dbSNP rs1603220962, ClinGen allele CA414792833.

ClinVar aggregate classification (germline): Uncertain significance (1 of 4 stars; one submission).

Conditions:
Leigh syndrome (NULS). Also called: Leigh's necrotizing encephalopathy; Leigh's disease; Leigh Syndrome (mtDNA deletion); Leigh Disease; Subacute necrotizing encephalopathy; Necrotizing encephalopathy infantile subacute of Leigh. Identifiers: Orphanet 506, MedGen C2931891, MONDO:0009723, OMIM 256000.

Submission:

Wong Mito Lab, Molecular and Human Genetics, Baylor College of Medicine
Classification: Uncertain significance for Leigh syndrome. Last evaluated: 2019-10-17. Review status: criteria provided, single submitter. Criteria: Modified ACMG Guidelines (Unpublished). Collection method: clinical testing. Allele origin: germline.
Comment: The NC_012920.1:m.7440T>G (YP_003024028.1:p.Ser513Ala) variant in MTCO1 gene is interpretated to be a Uncertain Significance variant based on the modified ACMG guidelines (unpublished). This variant meets the following evidence codes: BP4